The following is an entry in ClinVar:

NM_015512.5(DNAH1):c.6183C>T (p.Ala2061=)

Gene: DNAH1 (dynein axonemal heavy chain 1; plus strand). Cytogenetic location: 3p21.1.
Variant type: single nucleotide variant.
Coding change: c.6183C>T on transcript NM_015512.5 (MANE Select); coding-DNA position 6183, C replaced by T.
Protein change: p.Ala2061=; no amino-acid change (alanine 2061 retained).
Molecular consequence: synonymous variant.
Genome position (GRCh38, 1-based): chr3:52,370,154, C>T. VCF-style: chr3-52370154-C-T. GRCh37 (hg19) VCF-style: chr3-52404170-C-T.
Identifiers: ClinVar variation 753898 (VCV000753898.23), dbSNP rs769372759, ClinGen allele CA2434446.

ClinVar aggregate classification (germline): Likely benign. Review status: criteria provided, multiple submitters, no conflicts (2 of 4 stars). 3 submissions from 3 submitters: Likely benign (3). Last evaluated 2024-08-01.

Conditions:
Spermatogenic failure 18. Identifiers: MedGen C4539783, MONDO:0054615, OMIM 617576.
Ciliary dyskinesia, primary, 37 (CILD37). Also called: CILIARY DYSKINESIA, PRIMARY, 37, WITH OR WITHOUT SITUS INVERSUS. Identifiers: MedGen C4539798, MONDO:0033204, OMIM 617577.

Allele frequency attached by ClinVar (database versions not stated): gnomAD 0.00001; TOPMed 0.00001; gnomAD exomes 0.00003; ExAC 0.00005.

Submissions (3):

CeGaT Center for Human Genetics Tuebingen
Classification: Likely benign. Last evaluated: 2024-08-01. Review status: criteria provided, single submitter. Criteria: CeGaT Center For Human Genetics Tuebingen Variant Classification Criteria Version 2. Collection method: clinical testing. Allele origin: germline. Affected: yes. Observed: 1 variant allele.
Comment: DNAH1: BP4, BP7

Labcorp Genetics (formerly Invitae), Labcorp
Classification: Likely benign for Ciliary dyskinesia, primary, 37; Spermatogenic failure 18. Last evaluated: 2024-02-14. Review status: criteria provided, single submitter. Criteria: Invitae Variant Classification Sherloc (09022015). Collection method: clinical testing. Allele origin: germline.

Blueprint Genetics
Classification: Likely benign. Last evaluated: 2022-08-11. Review status: criteria provided, single submitter. Criteria: ACMG Guidelines, 2015. Collection method: clinical testing. Allele origin: germline.